The following is an entry in ClinVar:

NM_170606.3(KMT2C):c.5360A>T (p.Gln1787Leu)

Gene: KMT2C (lysine methyltransferase 2C; minus strand). Cytogenetic location: 7q36.1.
Variant type: single nucleotide variant.
Coding change: c.5360A>T on transcript NM_170606.3 (MANE Select); coding-DNA position 5360, A replaced by T.
Protein change: p.Gln1787Leu; replaces glutamine 1787 with leucine.
Molecular consequence: missense variant.
Genome position (GRCh38, 1-based): chr7:152,182,500, T>A on the plus strand (A>T on the coding strand, the complement: KMT2C is on the minus strand). VCF-style: chr7-152182500-T-A. GRCh37 (hg19) VCF-style: chr7-151879585-T-A.
Other names: short protein forms Q1787L.
Identifiers: ClinVar variation 1311357 (VCV001311357.2), dbSNP rs1355188634, ClinGen allele CA370099067.
Genomic context (GRCh38, chr7:152,182,500, plus strand): 5'-TGTATCCCACTACTTGGTGTATCTGAACCAGACTGCACCAGAAGATGCTGAGAACCAAAT[T>A]GCTGTTGTTGCTGCTGCTGCTGCTCATTTTTCACCTGTTCAAGTTTCTGTGTGGCTTCAA-3'
Protein context (NP_733751.2, residues 1777-1797): KNEQQQQQQQ[Gln1787Leu]FGSQHLLVQS

ClinVar aggregate classification (germline): Uncertain significance (1 of 4 stars; one submission).

Submission:

GeneDx
Classification: Uncertain significance. Last evaluated: 2020-01-17. Review status: criteria provided, single submitter. Criteria: GeneDx Variant Classification Process June 2021. Collection method: clinical testing. Allele origin: germline. Affected: yes.
Comment: Not observed in large population cohorts (Lek et al., 2016); In silico analysis, which includes protein predictors and evolutionary conservation, supports a deleterious effect; Has not been previously published as pathogenic or benign to our knowledge